The following is an entry in ClinVar:

ClinVar aggregate classification (germline): Likely benign (1 of 4 stars; one submission).

Submission:

CeGaT Center for Human Genetics Tuebingen
Classification: Likely benign. Last evaluated: 2026-09-01. Review status: criteria provided, single submitter. Criteria: CeGaT Center For Human Genetics Tuebingen Variant Classification Criteria Version 2. Collection method: clinical testing. Allele origin: germline. Affected: yes. Observed: 1 variant allele.
Comment: DSPP: BP4, BP7

NM_014208.3(DSPP):c.3474C>T (p.Asp1158=)

Genes: DMP1-AS1 (DMP1 and DSPP antisense RNA 1; minus strand), DSPP (dentin sialophosphoprotein; plus strand). Cytogenetic location: 4q22.1.
Variant type: single nucleotide variant.
Coding change: c.3474C>T on transcript NM_014208.3 (MANE Select); coding-DNA position 3474, C replaced by T.
Protein change: p.Asp1158=; no amino-acid change (aspartic acid 1158 retained).
Molecular consequence: synonymous variant.
Genome position (GRCh38, 1-based): chr4:87,616,136, C>T. VCF-style: chr4-87616136-C-T. GRCh37 (hg19) VCF-style: chr4-88537288-C-T.
Identifiers: ClinVar variation 5040795 (VCV005040795.1).